The following is an entry in ClinVar:

ClinVar aggregate classification (germline): Uncertain significance (1 of 4 stars; one submission).

Conditions:
Brugada syndrome. Also called: Sudden unexpected nocturnal death syndrome; Sudden Unexplained Death Syndrome; Sudden Unexplained Nocturnal Death Syndrome (SUNDS); Sudden unexplained nocturnal death syndrome. Identifiers: Orphanet 130, MedGen C1142166, MONDO:0015263.

Allele frequency attached by ClinVar (database versions not stated): gnomAD exomes below 0.00001; TOPMed below 0.00001; gnomAD 0.00001.
gnomAD v4.1: 2 of 1,606,874 alleles (0.00012%); highest among the groups gnomAD compares: Admixed American, 0.0017%; no homozygotes.

Submission:

Labcorp Genetics (formerly Invitae), Labcorp
Classification: Uncertain significance for Brugada syndrome. Last evaluated: 2022-01-26. Review status: criteria provided, single submitter. Criteria: Invitae Variant Classification Sherloc (09022015). Collection method: clinical testing. Allele origin: germline.
Comment: In summary, the available evidence is currently insufficient to determine the role of this variant in disease. Therefore, it has been classified as a Variant of Uncertain Significance. Advanced modeling of protein sequence and biophysical properties (such as structural, functional, and spatial information, amino acid conservation, physicochemical variation, residue mobility, and thermodynamic stability) performed at Invitae indicates that this missense variant is not expected to disrupt SCN10A protein function. This variant has not been reported in the literature in individuals affected with SCN10A-related conditions. This variant is not present in population databases (gnomAD no frequency). This sequence change replaces proline, which is neutral and non-polar, with leucine, which is neutral and non-polar, at codon 1059 of the SCN10A protein (p.Pro1059Leu).

NM_006514.4(SCN10A):c.3176C>T (p.Pro1059Leu)

Genes: SCN10A (sodium voltage-gated channel alpha subunit 10; minus strand), LOC110121288 (VISTA enhancer hs2268; plus strand). Cytogenetic location: 3p22.2.
Variant type: single nucleotide variant.
Coding change: c.3176C>T on transcript NM_006514.4 (MANE Select); coding-DNA position 3176, C replaced by T.
Protein change: p.Pro1059Leu; replaces proline 1059 with leucine.
Molecular consequence: missense variant.
Genome position (GRCh38, 1-based): chr3:38,725,226, G>A on the plus strand (C>T on the coding strand, the complement: SCN10A is on the minus strand). VCF-style: chr3-38725226-G-A. GRCh37 (hg19) VCF-style: chr3-38766717-G-A.
Other names: c.3173C>T, p.Pro1058Leu (NM_001293306.2); c.2882C>T, p.Pro961Leu (NM_001293307.2); short protein forms P1059L, P961L, P1058L.
Identifiers: ClinVar variation 1922182 (VCV001922182.5), dbSNP rs2063440390, ClinGen allele CA352156678.